The following is an entry in ClinVar:

ClinVar aggregate classification (germline): Uncertain significance (1 of 4 stars; one submission).

Conditions:
Cardiovascular phenotype. Identifiers: MedGen CN230736.

Submission:

Ambry Genetics
Classification: Uncertain significance for Cardiovascular phenotype. Last evaluated: 2026-07-01. Review status: criteria provided, single submitter. Criteria: Ambry Variant Classification Scheme 2023. Collection method: clinical testing. Allele origin: germline.
Comment: The p.P4550S variant (also known as c.13648C>T), located in coding exon 29 of the APOB gene, results from a C to T substitution at nucleotide position 13648. The proline at codon 4550 is replaced by serine, an amino acid with similar properties. This amino acid position is conserved. In addition, this alteration is predicted to be tolerated by in silico analysis. Based on the available evidence, the clinical significance of this variant remains unclear.

NM_000384.3(APOB):c.13648C>T (p.Pro4550Ser)

Genes: APOB (apolipoprotein B; minus strand), APOB3'MAR (APOB 3' scaffold/matrix attachment region; plus strand). Cytogenetic location: 2p24.1.
Variant type: single nucleotide variant.
Coding change: c.13648C>T on transcript NM_000384.3 (MANE Select); coding-DNA position 13648, C replaced by T.
Protein change: p.Pro4550Ser; replaces proline 4550 with serine.
Molecular consequence: missense variant.
Genome position (GRCh38, 1-based): chr2:21,001,774, G>A on the plus strand (C>T on the coding strand, the complement: APOB is on the minus strand). VCF-style: chr2-21001774-G-A. GRCh37 (hg19) VCF-style: chr2-21224646-G-A.
Other names: short protein forms P4550S.
Identifiers: ClinVar variation 5026969 (VCV005026969.1).